The following is an entry in ClinVar:

NC_012920.1(MT-RNR1):m.1503G>A

Gene: MT-RNR1 (mitochondrially encoded 12S RNA; plus strand).
Variant type: single nucleotide variant.
Genome position: chrM-1503-G-A.
Identifiers: ClinVar variation 163987 (VCV000163987.4), dbSNP rs727503164, ClinGen allele CA176742.

ClinVar aggregate classification (germline): Benign (1 of 4 stars; one submission).

Submission:

Laboratory for Molecular Medicine, Mass General Brigham Personalized Medicine
Classification: Benign. Last evaluated: 2014-02-10. Review status: criteria provided, single submitter. Criteria: LMM Criteria. Collection method: clinical testing. Allele origin: germline. Observed: 2 variant alleles.
Comment: m.1503G>A in MTRNR1: This variant is not expected to have clinical significance because it has been found in the general population with haplogoup-specific fre quencies ranging from 2.5% to 14.5%.

Literature cited by the submitters: PubMed 21114417; PubMed 15841390.